The following is an entry in ClinVar:

ClinVar aggregate classification (germline): Uncertain significance (1 of 4 stars; one submission).

Conditions:
GRN-related frontotemporal lobar degeneration with Tdp43 inclusions (FTD2). Also called: DEMENTIA, HEREDITARY DYSPHASIC DISINHIBITION; FRONTOTEMPORAL LOBAR DEGENERATION WITH UBIQUITIN-POSITIVE INCLUSIONS; FTLD-TDP, GRN-RELATED; GRN Frontotemporal Dementia; FRONTOTEMPORAL DEMENTIA WITH TDP43 INCLUSIONS, GRN-RELATED. Identifiers: Orphanet 100070, Orphanet 282, MedGen C1843792, MONDO:0011842, OMIM 607485. Disease mechanism: loss of function.
Neuronal ceroid lipofuscinosis 11. Also called: GRN-Related Neuronal Ceroid-Lipofuscinosis. Identifiers: Orphanet 314629, Orphanet 79262, MedGen C3539123, MONDO:0013866, OMIM 614706.

Allele frequency attached by ClinVar (database versions not stated): 1000 Genomes Project 30x 0.00016; gnomAD 0.00002 and 0.00003; TOPMed 0.00006; ExAC 0.00007.
gnomAD v4.1: 42 of 1,610,026 alleles (0.0026%); highest among the groups gnomAD compares: South Asian, 0.023%; no homozygotes.

Submission:

Labcorp Genetics (formerly Invitae), Labcorp
Classification: Uncertain significance for Neuronal ceroid lipofuscinosis 11; GRN-related frontotemporal lobar degeneration with Tdp43 inclusions. Last evaluated: 2024-02-24. Review status: criteria provided, single submitter. Criteria: Invitae Variant Classification Sherloc (09022015). Collection method: clinical testing. Allele origin: germline.
Comment: This sequence change replaces arginine, which is basic and polar, with tryptophan, which is neutral and slightly polar, at codon 555 of the GRN protein (p.Arg555Trp). This variant is present in population databases (rs768297331, gnomAD 0.03%). This missense change has been observed in individual(s) with Alzheimer's disease, Parkinson disease, and/or semantic dementia (PMID: 30090657, 32317127, 35861376). ClinVar contains an entry for this variant (Variation ID: 1024745). Advanced modeling of protein sequence and biophysical properties (such as structural, functional, and spatial information, amino acid conservation, physicochemical variation, residue mobility, and thermodynamic stability) performed at Invitae indicates that this missense variant is not expected to disrupt GRN protein function with a negative predictive value of 80%. In summary, the available evidence is currently insufficient to determine the role of this variant in disease. Therefore, it has been classified as a Variant of Uncertain Significance.

Literature cited by the submitters: PubMed 30090657; PubMed 32317127; PubMed 35861376.

NM_002087.4(GRN):c.1663C>T (p.Arg555Trp)

Gene: GRN (granulin precursor; plus strand). Cytogenetic location: 17q21.31.
Variant type: single nucleotide variant.
Coding change: c.1663C>T on transcript NM_002087.4 (MANE Select); coding-DNA position 1663, C replaced by T.
Protein change: p.Arg555Trp; replaces arginine 555 with tryptophan.
Molecular consequence: missense variant.
Genome position (GRCh38, 1-based): chr17:44,352,679, C>T. VCF-style: chr17-44352679-C-T. GRCh37 (hg19) VCF-style: chr17-42430047-C-T.
Other names: short protein forms R555W.
Identifiers: ClinVar variation 1024745 (VCV001024745.8), dbSNP rs768297331, ClinGen allele CA8602273.
Genomic context (GRCh38, chr17:44,352,679, plus strand): 5'-TCCCACCTCGTCCAACCCTCTCGCCCCCCTCTGACCATCCAGGGCGTCTGTTGTGCTGAT[C>T]GGCGCCACTGCTGTCCTGCTGGCTTCCGCTGCGCAGCCAGGGGTACCAAGTGTTTGCGCA-3'
Protein context (NP_002078.1, residues 545-565): PYRQGVCCAD[Arg555Trp]RHCCPAGFRC